The following is an entry in ClinVar:

ClinVar aggregate classification (germline): Benign/Likely benign. Review status: criteria provided, multiple submitters, no conflicts (2 of 4 stars). 8 submissions from 8 submitters: Benign (5); Likely benign (1). 2 of the submissions do not count toward it. Last evaluated 2026-01-28.

Conditions:
Renal tubular acidosis with progressive nerve deafness. Also called: Distal Renal Tubular Acidosis with Progressive Sensorineural Deafness; RENAL TUBULAR ACIDOSIS, AUTOSOMAL RECESSIVE, WITH PROGRESSIVE NERVE DEAFNESS; RTA WITH PROGRESSIVE NERVE DEAFNESS; renal tubular acidosis, distal, 2, with progressive sensorineural hearing loss. Identifiers: MedGen C0403554, MONDO:0009968, OMIM 267300.
ATP6V1B1-related disorder. Also called: ATP6V1B1-related condition.

Allele frequency attached by ClinVar (database versions not stated): gnomAD 0.00737 and 0.00779; TOPMed 0.00820; ESP Exome Variant Server 0.00869; 1000 Genomes Project 0.01138; 1000 Genomes Project 30x 0.01265.

Submissions (8):

Labcorp Genetics (formerly Invitae), Labcorp
Classification: Benign. Last evaluated: 2026-01-28. Review status: criteria provided, single submitter. Criteria: Invitae Variant Classification Sherloc (09022015). Collection method: clinical testing. Allele origin: germline.

GeneDx
Classification: Benign. Last evaluated: 2019-05-31. Review status: criteria provided, single submitter. Criteria: GeneDx Variant Classification Process June 2021. Collection method: clinical testing. Allele origin: germline. Affected: yes.

Athena Diagnostics
Classification: Benign. Last evaluated: 2018-08-10. Review status: criteria provided, single submitter. Criteria: Athena Diagnostics Criteria. Collection method: clinical testing. Allele origin: germline.

Illumina Laboratory Services, Illumina
Classification: Benign for Renal tubular acidosis with progressive nerve deafness. Last evaluated: 2018-01-13. Review status: criteria provided, single submitter. Criteria: ICSL Variant Classification Criteria 13 December 2019. Collection method: clinical testing. Allele origin: germline.
Comment: This variant was observed in the ICSL laboratory as part of a predisposition screen in an ostensibly healthy population. It had not been previously curated by ICSL or reported in the Human Gene Mutation Database (HGMD: prior to June 1st, 2018), and was therefore a candidate for classification through an automated scoring system. Utilizing variant allele frequency, disease prevalence and penetrance estimates, and inheritance mode, an automated score was calculated to assess if this variant is too frequent to cause the disease. Based on the score and internal cut-off values, a variant classified as benign is not then subjected to further curation. The score for this variant resulted in a classification of benign for this disease.

Laboratory for Molecular Medicine, Mass General Brigham Personalized Medicine
Classification: Benign. Last evaluated: 2012-04-30. Review status: criteria provided, single submitter. Criteria: LMM Criteria. Collection method: clinical testing. Allele origin: germline. Observed: 6 variant alleles.
Comment: Asn48Asn in Exon 02 of ATP6V1B1: This variant is not expected to have clinical s ignificance because it does not alter an amino acid residue, is not located with in the splice consensus sequence, and has been identified in 2.5% (95/3738) of A frican American chromosomes from a broad population by the NHLBI Exome Sequencin g Project (dbSNP rs144845223).

Breakthrough Genomics
Classification: Likely benign. Review status: criteria provided, single submitter. Criteria: ACMG Guidelines, 2015. Collection method: not provided. Allele origin: germline. Inheritance: Autosomal recessive inheritance. Affected: yes.

PreventionGenetics, part of Exact Sciences
Classification: Benign for ATP6V1B1-related condition. Last evaluated: 2019-08-07. Review status: no assertion criteria provided. Collection method: clinical testing. Allele origin: germline. Not counted in ClinVar's aggregate classification.
Comment: This variant is classified as benign based on ACMG/AMP sequence variant interpretation guidelines (Richards et al. 2015 PMID: 25741868, with internal and published modifications).

Counsyl
Classification: Likely benign for Renal tubular acidosis with progressive nerve deafness. Last evaluated: 2017-03-06. Review status: no assertion criteria provided. Collection method: clinical testing. Allele origin: unknown. Not counted in ClinVar's aggregate classification.

NM_001692.4(ATP6V1B1):c.144C>T (p.Asn48=)

Genes: ATP6V1B1 (ATPase H+ transporting V1 subunit B1; plus strand), ATP6V1B1-AS1 (ATP6V1B1 antisense RNA 1; minus strand). Cytogenetic location: 2p13.3.
Variant type: single nucleotide variant.
Coding change: c.144C>T on transcript NM_001692.4 (MANE Select); coding-DNA position 144, C replaced by T.
Protein change: p.Asn48=; no amino-acid change (asparagine 48 retained).
Molecular consequence: synonymous variant.
Genome position (GRCh38, 1-based): chr2:70,943,683, C>T. VCF-style: chr2-70943683-C-T. GRCh37 (hg19) VCF-style: chr2-71170813-C-T.
Identifiers: ClinVar variation 162759 (VCV000162759.23), dbSNP rs144845223, ClinGen allele CA175268.